The following is an entry in ClinVar:

NM_001005242.3(PKP2):c.748C>T (p.Arg250Cys)

Gene: PKP2 (plakophilin 2; minus strand). Cytogenetic location: 12p11.21.
Variant type: single nucleotide variant.
Coding change: c.748C>T on transcript NM_001005242.3 (MANE Select); coding-DNA position 748, C replaced by T.
Protein change: p.Arg250Cys; replaces arginine 250 with cysteine.
Molecular consequence: missense variant.
Genome position (GRCh38, 1-based): chr12:32,878,132, G>A on the plus strand (C>T on the coding strand, the complement: PKP2 is on the minus strand). VCF-style: chr12-32878132-G-A. GRCh37 (hg19) VCF-style: chr12-33031066-G-A.
Other names: c.748C>T, p.Arg250Cys (NM_004572.4); short protein forms R250C.
Identifiers: ClinVar variation 1346086 (VCV001346086.8), dbSNP rs577631447, ClinGen allele CA038624.

ClinVar aggregate classification (germline): Uncertain significance (1 of 4 stars; one submission).

Conditions:
Arrhythmogenic right ventricular dysplasia 9 (ARVD9). Also called: Arrhythmogenic Right Ventricular Dysplasia/Cardiomyopathy 9; ARRHYTHMOGENIC RIGHT VENTRICULAR DYSPLASIA, FAMILIAL, 9. Identifiers: MedGen C1836906, MONDO:0012180, OMIM 609040.

Allele frequency attached by ClinVar (database versions not stated): gnomAD 0.00001 and 0.00002; gnomAD exomes 0.00002; TOPMed 0.00002; ExAC 0.00003; 1000 Genomes Project 30x 0.00016; 1000 Genomes Project 0.00020.

Submission:

Labcorp Genetics (formerly Invitae), Labcorp
Classification: Uncertain significance for Arrhythmogenic right ventricular dysplasia 9. Last evaluated: 2025-09-22. Review status: criteria provided, single submitter. Criteria: Invitae Variant Classification Sherloc (09022015). Collection method: clinical testing. Allele origin: germline.
Comment: This sequence change replaces arginine, which is basic and polar, with cysteine, which is neutral and slightly polar, at codon 250 of the PKP2 protein (p.Arg250Cys). This variant is present in population databases (rs577631447, gnomAD 0.01%). This variant has not been reported in the literature in individuals affected with PKP2-related conditions. ClinVar contains an entry for this variant (Variation ID: 1346086). An algorithm developed to predict the effect of missense changes on protein structure and function (PolyPhen-2) suggests that this variant is likely to be disruptive. In summary, the available evidence is currently insufficient to determine the role of this variant in disease. Therefore, it has been classified as a Variant of Uncertain Significance.